The following is an entry in ClinVar:

ClinVar aggregate classification (germline): Uncertain significance. Review status: criteria provided, multiple submitters, no conflicts (2 of 4 stars). 2 submissions from 2 submitters: Uncertain significance (2). Last evaluated 2025-03-01.

Conditions:
Inborn genetic diseases. Identifiers: MedGen C0950123, MeSH D030342.

gnomAD v4.1: 43 of 1,611,332 alleles (0.0027%); highest among the groups gnomAD compares: Middle Eastern, 0.016%; no homozygotes.

Submissions (2):

CeGaT Center for Human Genetics Tuebingen
Classification: Uncertain significance. Last evaluated: 2025-03-01. Review status: criteria provided, single submitter. Criteria: CeGaT Center For Human Genetics Tuebingen Variant Classification Criteria Version 2. Collection method: clinical testing. Allele origin: germline. Affected: yes. Observed: 1 variant allele.
Comment: RP1L1: PM2, BP4

Ambry Genetics
Classification: Uncertain significance for Inborn genetic diseases. Last evaluated: 2024-05-13. Review status: criteria provided, single submitter. Criteria: Ambry Variant Classification Scheme 2023. Collection method: clinical testing. Allele origin: germline.

NM_178857.6(RP1L1):c.1294G>A (p.Val432Ile)

Gene: RP1L1 (RP1 like 1). Cytogenetic location: 8p23.1.
Variant type: single nucleotide variant.
Coding change: c.1294G>A on transcript NM_178857.6 (MANE Select); coding-DNA position 1294, G replaced by A.
Protein change: p.Val432Ile; replaces valine 432 with isoleucine.
Molecular consequence: missense variant.
Genome position (GRCh38, 1-based): chr8:10,612,804, C>T on the plus strand (G>A on the coding strand, the complement: RP1L1 is on the minus strand). VCF-style: chr8-10612804-C-T. GRCh37 (hg19) VCF-style: chr8-10470314-C-T.
Other names: short protein forms V432I.
Identifiers: ClinVar variation 3315071 (VCV003315071.8).
Genomic context (GRCh38, chr8:10,612,804, plus strand): 5'-TGTCCTGGCTGCATCTCTCCCTCCCGGCAGTCCCGTGGCCCCACAGGCCACTGCAGCGGA[C>T]GTGCTGGGCCAGTCCCCACCTCTTCCGAGCTGCCACTCTCTCTCCCTGGGAGGCATGCAG-3'
Protein context (NP_849188.4, residues 422-442): ARKRWGLAQH[Val432Ile]RCSGLWGHGT